The following is an entry in ClinVar:

NM_018006.5(TRMU):c.289C>T (p.Pro97Ser)

Gene: TRMU (tRNA mitochondrial 2-thiouridylase; plus strand). Cytogenetic location: 22q13.31.
Variant type: single nucleotide variant.
Coding change: c.289C>T on transcript NM_018006.5 (MANE Select); coding-DNA position 289, C replaced by T.
Protein change: p.Pro97Ser; replaces proline 97 with serine.
Molecular consequence: missense variant. On other transcripts: non-coding transcript variant (1), intron variant (3).
Genome position (GRCh38, 1-based): chr22:46,343,302, C>T. VCF-style: chr22-46343302-C-T. GRCh37 (hg19) VCF-style: chr22-46739199-C-T.
Other names: c.289C>T, p.Pro97Ser (NM_001282785.2); c.14-3120C>T (NM_001282782.2); c.-6-3120C>T (NM_001282783.2, NM_001282784.2); short protein forms P97S.
Identifiers: ClinVar variation 283815 (VCV000283815.6), dbSNP rs886042713, ClinGen allele CA10604596.

ClinVar aggregate classification (germline): Uncertain significance. Review status: criteria provided, multiple submitters, no conflicts (2 of 4 stars). 2 submissions from 2 submitters: Uncertain significance (2). Last evaluated 2019-11-06.

Conditions:
Acute infantile liver failure due to synthesis defect of mtDNA-encoded proteins. Also called: LIVER FAILURE, INFANTILE, TRANSIENT; Liver failure acute infantile; TRMU Deficiency. Identifiers: Orphanet 217371, MedGen C3278664, MONDO:0013111, OMIM 613070.

Allele frequency attached by ClinVar (database versions not stated): gnomAD exomes below 0.00001.
gnomAD v4.1: 5 of 1,613,820 alleles (0.00031%); highest among the groups gnomAD compares: Middle Eastern, 0.049%; no homozygotes.

Submissions (2):

Baylor Genetics
Classification: Uncertain significance for Acute infantile liver failure due to synthesis defect of mtDNA-encoded proteins. Last evaluated: 2019-11-06. Review status: criteria provided, single submitter. Criteria: ACMG Guidelines, 2015. Collection method: clinical testing. Allele origin: unknown. Affected: yes.
Comment: This variant was determined to be of uncertain significance according to ACMG Guidelines, 2015 [PMID:25741868].

Eurofins Ntd Llc (ga)
Classification: Uncertain significance. Last evaluated: 2015-10-20. Review status: criteria provided, single submitter. Criteria: EGL Classification Definitions 2015. Collection method: clinical testing. Allele origin: germline. Observed: 1 variant allele, 1 heterozygote.